The following is an entry in ClinVar:

ClinVar aggregate classification (germline): Benign/Likely benign. Review status: criteria provided, multiple submitters, no conflicts (2 of 4 stars). 14 submissions from 14 submitters: Benign (6); Likely benign (7). 1 of the submissions does not count toward it. Last evaluated 2026-09-01.

Conditions:
Autosomal dominant polycystic kidney disease. Identifiers: Orphanet 730, MedGen C0085413, MONDO:0004691.
Polycystic kidney disease 2 (PKD2). Also called: POLYCYSTIC KIDNEY DISEASE, ADULT, TYPE II; Polycystic Kidney Disease 2, Autosomal Dominant; POLYCYSTIC KIDNEY DISEASE 2 WITH OR WITHOUT POLYCYSTIC LIVER DISEASE. Identifiers: MedGen C2751306, MONDO:0013131, OMIM 613095.
Polycystic kidney disease. Also called: Polycystic kidney dysplasia; Kidney, Polycystic. Identifiers: MedGen C0022680, MeSH D007690, MONDO:0020642, HP:0000113.

Allele frequency attached by ClinVar (database versions not stated): ESP Exome Variant Server 0.00177; TOPMed 0.00221; 1000 Genomes Project 30x 0.00265; ExAC 0.00277; 1000 Genomes Project 0.00280; gnomAD exomes 0.00280 and 0.00300; gnomAD 0.00302 and 0.00312.

Submissions (14):

CeGaT Center for Human Genetics Tuebingen
Classification: Benign. Last evaluated: 2026-09-01. Review status: criteria provided, single submitter. Criteria: CeGaT Center For Human Genetics Tuebingen Variant Classification Criteria Version 2. Collection method: clinical testing. Allele origin: germline. Affected: yes. Observed: 2 variant alleles.
Comment: PKD2: BS1, BS2

Labcorp Genetics (formerly Invitae), Labcorp
Classification: Benign for Autosomal dominant polycystic kidney disease. Last evaluated: 2026-02-02. Review status: criteria provided, single submitter. Criteria: Invitae Variant Classification Sherloc (09022015). Collection method: clinical testing. Allele origin: germline.

Blueprint Genetics
Classification: Likely benign. Last evaluated: 2024-11-15. Review status: criteria provided, single submitter. Criteria: ACMG Guidelines, 2015. Collection method: clinical testing. Allele origin: germline.

Women's Health and Genetics/Laboratory Corporation of America, LabCorp
Classification: Likely benign. Last evaluated: 2024-04-05. Review status: criteria provided, single submitter. Criteria: LabCorp Variant Classification Summary - May 2015. Collection method: clinical testing. Allele origin: germline.

Fulgent Genetics
Classification: Likely benign for Polycystic kidney disease 2. Last evaluated: 2022-04-17. Review status: criteria provided, single submitter. Criteria: ACMG Guidelines, 2015. Collection method: clinical testing. Allele origin: unknown.

GeneDx
Classification: Likely benign. Last evaluated: 2020-08-17. Review status: criteria provided, single submitter. Criteria: GeneDx Variant Classification Process June 2021. Collection method: clinical testing. Allele origin: germline. Affected: yes.
Comment: Identified in a family with polycystic kidney disease (Magistroni et al., 2003); however, additional reports classify R807Q as indeterminate (Rossetti et al., 2007; Neumann et al., 2013); Functional study showed R807Q had no affect on the coiled-coil domain and interaction, and variant was classified as likely polymorphism (Giamarchi et al., 2010).; In silico analysis supports that this missense variant does not alter protein structure/function; This variant is associated with the following publications: (PMID: 23300259, 22863349, 17582161, 20168298, 12707387, 26692149)

Athena Diagnostics
Classification: Benign. Last evaluated: 2019-10-22. Review status: criteria provided, single submitter. Criteria: Athena Diagnostics Criteria. Collection method: clinical testing. Allele origin: unknown.

Molecular Genetics of Inherited Kidney Disorders Laboratory, Garvan Institute of Medical Research
Classification: Likely benign for Autosomal dominant polycystic kidney disease. Last evaluated: 2019-01-01. Review status: criteria provided, single submitter. Criteria: ACMG Guidelines, 2015. Collection method: research. Allele origin: germline. Affected: yes.

ARUP Laboratories, Molecular Genetics and Genomics, ARUP Laboratories
Classification: Benign for Polycystic kidney disease 2. Last evaluated: 2018-12-30. Review status: criteria provided, single submitter. Criteria: ARUP Molecular Germline Variant Investigation Process. Collection method: clinical testing. Allele origin: germline.

Eurofins Ntd Llc (ga)
Classification: Benign. Last evaluated: 2017-06-20. Review status: criteria provided, single submitter. Criteria: EGL Classification Definitions 2015. Collection method: clinical testing. Allele origin: germline. Observed: 1 variant allele, 1 heterozygote.

Illumina Laboratory Services, Illumina
Classification: Likely benign for Polycystic kidney disease 2. Last evaluated: 2017-04-27. Review status: criteria provided, single submitter. Criteria: ICSL Variant Classification Criteria 13 December 2019. Collection method: clinical testing. Allele origin: germline.
Comment: This variant was observed as part of a predisposition screen in an ostensibly healthy population. A literature search was performed for the gene, cDNA change, and amino acid change (where applicable). Publications were found based on this search. The evidence from the literature, in combination with allele frequency data from public databases where available, was sufficient to determine this variant is unlikely to cause disease. Therefore, this variant is classified as likely benign.

Center for Pediatric Genomic Medicine, Children's Mercy Hospital and Clinics
Classification: Benign. Last evaluated: 2017-01-06. Review status: criteria provided, single submitter. Criteria: ACMG Guidelines, 2015. Collection method: clinical testing. Allele origin: germline.

PreventionGenetics, part of Exact Sciences
Classification: Likely benign. Review status: criteria provided, single submitter. Criteria: ACMG Guidelines, 2015. Collection method: clinical testing. Allele origin: germline.

Department of Pathology and Laboratory Medicine, Sinai Health System
Classification: Benign for Polycystic Kidney disease. Review status: no assertion criteria provided. Collection method: clinical testing. Allele origin: unknown. Affected: yes. Study: The Canadian Open Genetics Repository (COGR). Not counted in ClinVar's aggregate classification.
Comment: The PKD2 p.Arg807Gln variant was identified in 6 of 3926 proband chromosomes (frequency: 0.002) from individuals or families with ADPKD (Magistroni 2003, Robinson 2012, Neumann 2013, Rossetti 2007, Rossetti 2012). The variant was also identified in the following databases: dbSNP (ID: rs147654263) as â€šÃ„ÃºWith other alleleâ€šÃ„Ã¹, ClinVar (classified as benign by Invitae and Children Mercy hospital; as likely benign by Prevention Genetics and Illumina; and as uncertain significance by GeneDx), LOVD 3.0 (1x, reported as "does not affect proteinâ€šÃ„Ã¹), ADPKD Mutation Database (as likely neutral). The variant was not identified in PKD1-LOVD database. The variant was identified in control databases in 875 (4 homozygous) of 276852 chromosomes at a frequency of 0.003, increasing the likelihood this could be a low frequency benign variant (Genome Aggregation Consortium Feb 27, 2017). The variant was observed in the following populations: African in 9 of 24032 chromosomes (freq. 0.0004), Other in 27 of 6462 chromosomes (freq. 0.004), Latino in 70 of 34396 chromosomes (freq. 0.002), European in 289 (1 homozygous) of 126416 chromosomes (freq. 0.002), Ashkenazi Jewish in 47 of 10138 chromosomes (freq. 0.005), East Asian in 1 of 18838 chromosomes (freq. 0.00005), Finnish in 431 (3 homozygous) of 25788 chromosomes (freq. 0.02), and South Asian in 1 of 30782 chromosomes (freq. 0.00003). The p.Arg807Gln residue is conserved in mammals and computational analyses (PolyPhen-2, SIFT, AlignGVGD, BLOSUM, MutationTaster) provide inconsistent predictions regarding the impact to the protein; this information is not very predictive of pathogenicity. The variant occurs outside of the splicing consensus sequence and in silico or computational prediction software programs (SpliceSiteFinder, MaxEntScan, NNSPLICE, GeneSplicer, HumanSpliceFinder) do not predict a difference in splicing. A functional study showed R807Q had no effect on the coiled-coil domain; the variant was identified as likely polymorphism (Giamarchi 2010). In summary, based on the above information this variant meets our laboratory criteria to be classified as benign.

Literature cited by the submitters: PubMed 12707387 (cited by Athena Diagnostics and Illumina Laboratory Services, Illumina); PubMed 22863349 (cited by Athena Diagnostics and Illumina Laboratory Services, Illumina); PubMed 20168298 (cited by Athena Diagnostics); PubMed 17582161 (cited by Athena Diagnostics); PubMed 23300259 (cited by Athena Diagnostics and Illumina Laboratory Services, Illumina); PubMed 26692149 (cited by Athena Diagnostics).

NM_000297.4(PKD2):c.2420G>A (p.Arg807Gln)

Gene: PKD2 (polycystin 2, transient receptor potential cation channel; plus strand). Cytogenetic location: 4q22.1.
Variant type: single nucleotide variant.
Coding change: c.2420G>A on transcript NM_000297.4 (MANE Select); coding-DNA position 2420, G replaced by A.
Protein change: p.Arg807Gln; replaces arginine 807 with glutamine.
Molecular consequence: missense variant. On other transcripts: non-coding transcript variant (1).
Genome position (GRCh38, 1-based): chr4:88,067,959, G>A. VCF-style: chr4-88067959-G-A. GRCh37 (hg19) VCF-style: chr4-88989111-G-A.
Other names: short protein forms R807Q.
Identifiers: ClinVar variation 220091 (VCV000220091.35), dbSNP rs147654263, ClinGen allele CA348825.